The following is an entry in ClinVar:

ClinVar aggregate classification (germline): Uncertain significance (1 of 4 stars; one submission).

Conditions:
TTN-related disorder. Also called: TTN-related disorders; TTN-related condition; TTN-related disease.

gnomAD v4.1: 1 of 1,604,542 alleles (0.000062%); highest among the groups gnomAD compares: African/African-American, 0.0013%; no homozygotes.

Submission:

PreventionGenetics, part of Exact Sciences
Classification: Uncertain significance for TTN-related condition. Last evaluated: 2026-09-25. Review status: criteria provided, single submitter. Criteria: ACMG Guidelines, 2015. Collection method: clinical testing. Allele origin: germline.
Comment: The TTN c.83407G>T variant is predicted to result in the amino acid substitution p.Val27803Phe. To our knowledge, this variant has not been reported in the literature. This variant is reported in 0.0083% of alleles in individuals of African descent in gnomAD. At this time, the clinical significance of this variant is uncertain due to the absence of conclusive functional and genetic evidence.

NM_001267550.2(TTN):c.83407G>T (p.Val27803Phe)

Genes: TTN (titin; minus strand), TTN-AS1 (TTN antisense RNA 1; plus strand). Cytogenetic location: 2q31.2.
Variant type: single nucleotide variant.
Coding change: c.83407G>T on transcript NM_001267550.2 (MANE Select); coding-DNA position 83407, G replaced by T.
Protein change: p.Val27803Phe; replaces valine 27803 with phenylalanine.
Molecular consequence: missense variant.
Genome position (GRCh38, 1-based): chr2:178,562,725, C>A on the plus strand (G>T on the coding strand, the complement: TTN is on the minus strand). VCF-style: chr2-178562725-C-A. GRCh37 (hg19) VCF-style: chr2-179427452-C-A.
Other names: c.78484G>T, p.Val26162Phe (NM_001256850.1); c.56212G>T, p.Val18738Phe (NM_003319.4); c.75703G>T, p.Val25235Phe (NM_133378.4); c.56587G>T, p.Val18863Phe (NM_133432.3); c.56788G>T, p.Val18930Phe (NM_133437.4); short protein forms V18738F, V18863F, V18930F, V26162F, V27803F, V25235F.
Identifiers: ClinVar variation 4988962 (VCV004988962.1).
Genomic context (GRCh38, chr2:178,562,725, plus strand): 5'-TTTTAGTGCAATTATTTGTAATGGTAGCATAGGCTTTTCTTGTAGTTTCTCGTTTTTCGA[C>A]AATGTAGTTTGTAATCTTAGCTCCACCATCAATAAGTGGTGGTTCCCAGGACAACGTCAC-3'
Protein context (NP_001254479.2, residues 27793-27813): DGGAKITNYI[Val27803Phe]EKRETTRKAY